The following is an entry in ClinVar:

ClinVar aggregate classification (germline): Likely benign (1 of 4 stars; one submission).

gnomAD v4.1: 45 of 698,742 alleles (0.0064%); highest among the groups gnomAD compares: Non-Finnish European, 0.0099%; no homozygotes.

Submission:

CeGaT Center for Human Genetics Tuebingen
Classification: Likely benign. Last evaluated: 2024-10-01. Review status: criteria provided, single submitter. Criteria: CeGaT Center For Human Genetics Tuebingen Variant Classification Criteria Version 2. Collection method: clinical testing. Allele origin: germline. Affected: yes. Observed: 1 variant allele.
Comment: SEMA6B: BS1

NM_032108.4(SEMA6B):c.*620G>A

Gene: SEMA6B (semaphorin 6B; minus strand). Cytogenetic location: 19p13.3.
Variant type: single nucleotide variant.
Coding change: c.*620G>A on transcript NM_032108.4 (MANE Select); 620 bases downstream of the stop codon, G replaced by A.
Molecular consequence: 3 prime UTR variant.
Genome position (GRCh38, 1-based): chr19:4,542,981, C>T on the plus strand (G>A on the coding strand, the complement: SEMA6B is on the minus strand). VCF-style: chr19-4542981-C-T. GRCh37 (hg19) VCF-style: chr19-4542993-C-T.
Identifiers: ClinVar variation 3388618 (VCV003388618.14).